The following is an entry in ClinVar:

ClinVar aggregate classification (germline): Uncertain significance. Review status: criteria provided, multiple submitters, no conflicts (2 of 4 stars). 2 submissions from 2 submitters: Uncertain significance (2). Last evaluated 2025-10-02.

Conditions:
Age related macular degeneration 4. Identifiers: MedGen C1853147, MONDO:0012540, OMIM 610698.
Atypical hemolytic-uremic syndrome. Identifiers: Orphanet 2134, MedGen C2931788, MONDO:0016244.

gnomAD v4.1: 31 of 1,612,756 alleles (0.0019%); highest among the groups gnomAD compares: South Asian, 0.0055%; no homozygotes.

Submissions (3):

Genomenon, Inc
Classification: Uncertain significance for Atypical hemolytic-uremic syndrome; Age related macular degeneration 4. Last evaluated: 2025-10-02. Review status: criteria provided, single submitter. Criteria: Genomenon Sequence Variant Interpretation Standards - Updated. Collection method: curation. Allele origin: germline. Affected: yes.
Comment: CFH p.Arg303Gln (c.908G>A) is a missense variant that changes the amino acid at residue 303 from Arginine to Glutamine. This variant has been observed in at least one proband affected with a CFH-related disorder (PMID:34508573;32246154;28596415;36246952). The variant was found to segregate with disease in at least one affected family (PMID:34508573;32246154). Functional studies have been reported (PMID:36445700;27905547;34508573;34189567). It is absent or not present at a significant frequency in gnomAD. In conclusion, we classify CFH p.Arg303Gln (c.908G>A) as a variant of uncertain significance.

Labcorp Genetics (formerly Invitae), Labcorp
Classification: Uncertain significance. Last evaluated: 2025-06-23. Review status: criteria provided, single submitter. Criteria: Invitae Variant Classification Sherloc (09022015). Collection method: clinical testing. Allele origin: germline.
Comment: This sequence change replaces arginine, which is basic and polar, with glutamine, which is neutral and polar, at codon 303 of the CFH protein (p.Arg303Gln). This variant is present in population databases (rs766408580, gnomAD 0.01%). This missense change has been observed in individual(s) with clinical features of CFH-related conditions (PMID: 18658028, 29888403, 32246154, 34508573). ClinVar contains an entry for this variant (Variation ID: 3720267). An algorithm developed to predict the effect of missense changes on protein structure and function outputs the following: PolyPhen-2: "Benign". The glutamine amino acid residue is found in multiple mammalian species, which suggests that this missense change does not adversely affect protein function. Experimental studies have shown that this missense change does not substantially affect CFH function (PMID: 34189567). In summary, the available evidence is currently insufficient to determine the role of this variant in disease. Therefore, it has been classified as a Variant of Uncertain Significance.

Dr. Peter K. Rogan Lab, Western University
No classification provided (evidence only). Condition: Thyroid cancer, nonmedullary, 1. Review status: no classification provided. Collection method: in vitro. Allele origin: not applicable. Functional consequence: retained intron. Not counted in ClinVar's aggregate classification.

Literature cited by the submitters: PubMed 34508573 (cited by Genomenon, Inc and Labcorp Genetics (formerly Invitae), Labcorp); PubMed 32246154 (cited by Genomenon, Inc and Labcorp Genetics (formerly Invitae), Labcorp); PubMed 28596415 (cited by Genomenon, Inc); PubMed 36246952 (cited by Genomenon, Inc); PubMed 36445700 (cited by Genomenon, Inc); PubMed 27905547 (cited by Genomenon, Inc); PubMed 34189567 (cited by Genomenon, Inc and Labcorp Genetics (formerly Invitae), Labcorp); PubMed 18658028 (cited by Labcorp Genetics (formerly Invitae), Labcorp); PubMed 29888403 (cited by Labcorp Genetics (formerly Invitae), Labcorp).

NM_000186.4(CFH):c.908G>A (p.Arg303Gln)

Gene: CFH (complement factor H; plus strand). Cytogenetic location: 1q31.3.
Variant type: single nucleotide variant.
Coding change: c.908G>A on transcript NM_000186.4 (MANE Select); coding-DNA position 908, G replaced by A.
Protein change: p.Arg303Gln; replaces arginine 303 with glutamine.
Molecular consequence: missense variant.
Genome position (GRCh38, 1-based): chr1:196,685,181, G>A. VCF-style: chr1-196685181-G-A. GRCh37 (hg19) VCF-style: chr1-196654311-G-A.
Other names: c.908G>A, p.Arg303Gln (NM_001014975.3); short protein forms R303Q.
Identifiers: ClinVar variation 3720267 (VCV003720267.4).
Genomic context (GRCh38, chr1:196,685,181, plus strand): 5'-AACACAGAACTGGAGATGAAATCACGTACCAGTGTAGAAATGGTTTTTATCCTGCAACCC[G>A]GGGAAATACAGCAAAATGCACAAGTACTGGCTGGATACCTGCTCCGAGATGTACCTGTAA-3'
Protein context (NP_000177.2, residues 293-313): QCRNGFYPAT[Arg303Gln]GNTAKCTSTG